The following is an entry in ClinVar:

ClinVar aggregate classification (germline): Likely pathogenic (1 of 4 stars; one submission).

Conditions:
Alzheimer disease 9. Also called: ALZHEIMER DISEASE 9, SUSCEPTIBILITY TO; ALZHEIMER DISEASE 9, LATE-ONSET. Identifiers: MedGen C4282179, MONDO:0012153, OMIM 608907.

Submission:

Variantyx, Inc.
Classification: Likely pathogenic for Alzheimer disease 9. Last evaluated: 2025-09-11. Review status: criteria provided, single submitter. Criteria: Variantyx Assertion Criteria 2022. Collection method: clinical testing. Allele origin: germline. Inheritance: Autosomal dominant inheritance. Affected: yes.
Comment: This is a frameshift variant in the ABCA7 gene (OMIM: 605414). Pathogenic variants in this gene have been associated with autosomal dominant susceptibility to Alzheimer disease 9. This variant introduces a premature termination codon in exon 14 out of 47 and is expected to result in loss of function, which is a known disease mechanism for ABCA7 in this disorder (PMID: 25807283) (PVS1). This variant has a 0.0039% maximum allele frequency in non-founder control populations (PM2) and it has not been reported in individuals with ABCA7-related disorders in the databases available for review. Based on the current evidence, this variant is classified as likely pathogenic for autosomal dominant susceptibility to Alzheimer disease 9.

Literature cited by the submitters: PubMed 25807283.

NM_019112.4(ABCA7):c.1732_1738delinsAG (p.Arg578fs)

Gene: ABCA7 (ATP binding cassette subfamily A member 7; plus strand). Cytogenetic location: 19p13.3.
Variant type: Indel.
Coding change: c.1732_1738delinsAG on transcript NM_019112.4 (MANE Select); coding-DNA positions 1732 to 1738, CGGGACA replaced by AG.
Protein change: p.Arg578fs; shifts the reading frame from arginine 578.
Molecular consequence: frameshift variant.
Genome position (GRCh38, 1-based): chr19:1,046,911-1,046,917, CGGGACA replaced by AG. VCF-style: chr19-1046911-CGGGACA-AG. GRCh37 (hg19) VCF-style: chr19-1046910-CGGGACA-AG.
Other names: short protein forms R578fs.
Identifiers: ClinVar variation 4850752 (VCV004850752.1).